The following is an entry in ClinVar:

NM_206933.4(USH2A):c.2965dup (p.Tyr989fs)

Genes: USH2A (usherin; minus strand), USH2A-AS1 (USH2A antisense RNA 1; plus strand). Cytogenetic location: 1q41.
Variant type: Duplication.
Coding change: c.2965dup on transcript NM_206933.4 (MANE Select); coding-DNA position 2965, one base duplicated (T; older notation c.2965dupT).
Protein change: p.Tyr989fs; shifts the reading frame from tyrosine 989.
Molecular consequence: frameshift variant.
Genome position (GRCh38, 1-based): chr1:216,231,981, A duplicated on the plus strand (T on the coding strand, the reverse complement: USH2A is on the minus strand); the first of 2 consecutive A bases (chr1:216,231,981-216,231,982); duplicating either gives the same sequence. VCF-style (leftmost placement, unchanged base first): chr1-216231980-T-TA. GRCh37 (hg19) VCF-style: chr1-216405322-T-TA.
Other names: c.2965dup, p.Tyr989fs (NM_007123.6); short protein forms Y989fs.
Identifiers: ClinVar variation 2813063 (VCV002813063.3), dbSNP rs2528126432, ClinGen allele CA2739275651.

ClinVar aggregate classification (germline): Pathogenic (1 of 4 stars; one submission).

Submission:

Labcorp Genetics (formerly Invitae), Labcorp
Classification: Pathogenic. Last evaluated: 2022-11-14. Review status: criteria provided, single submitter. Criteria: Invitae Variant Classification Sherloc (09022015). Collection method: clinical testing. Allele origin: germline.
Comment: This sequence change creates a premature translational stop signal (p.Tyr989Leufs*5) in the USH2A gene. It is expected to result in an absent or disrupted protein product. Loss-of-function variants in USH2A are known to be pathogenic (PMID: 10729113, 10909849, 20507924, 25649381). For these reasons, this variant has been classified as Pathogenic. This variant has not been reported in the literature in individuals affected with USH2A-related conditions. This variant is not present in population databases (gnomAD no frequency).

Literature cited by the submitters: PubMed 10729113; PubMed 10909849; PubMed 20507924; PubMed 25649381.